The following is an entry in ClinVar:

ClinVar aggregate classification (germline): Pathogenic. Review status: criteria provided, single submitter (1 of 4 stars). 2 submissions from 2 submitters: Pathogenic (1). 1 of the submissions does not count toward it. Last evaluated 2024-04-25.

Conditions:
Combined immunodeficiency due to ZAP70 deficiency (IMD48). Also called: Immunodeficiency 48; ZAP70 Deficiency. Identifiers: Orphanet 911, MedGen C2931299, MONDO:0010023, OMIM 269840.

Submissions (2):

Labcorp Genetics (formerly Invitae), Labcorp
Classification: Pathogenic for Combined immunodeficiency due to ZAP70 deficiency. Last evaluated: 2024-04-25. Review status: criteria provided, single submitter. Criteria: Invitae Variant Classification Sherloc (09022015). Collection method: clinical testing. Allele origin: germline.
Comment: This sequence change creates a premature translational stop signal (p.Lys504Profs*36) in the ZAP70 gene. It is expected to result in an absent or disrupted protein product. Loss-of-function variants in ZAP70 are known to be pathogenic (PMID: 8202712). This variant is present in population databases (rs730880319, gnomAD 0.003%). This premature translational stop signal has been observed in individual(s) with severe combined immunodeficiency (PMID: 8202712, 11034358). This variant is also known as a 13-bp deletion involving nucleotides 1719 –1731. ClinVar contains an entry for this variant (Variation ID: 13256). For these reasons, this variant has been classified as Pathogenic.

OMIM
Classification: Pathogenic for IMMUNODEFICIENCY 48. Last evaluated: 1994-06-10. Review status: no assertion criteria provided. Collection method: literature only. Allele origin: germline. Not counted in ClinVar's aggregate classification.

Literature cited by the submitters: PubMed 8202712 (cited by Labcorp Genetics (formerly Invitae), Labcorp and OMIM); PubMed 11034358 (cited by Labcorp Genetics (formerly Invitae), Labcorp).

NM_001079.4(ZAP70):c.1510_1522del (p.Lys504fs)

Gene: ZAP70 (zeta chain of T cell receptor associated protein kinase 70; plus strand). Cytogenetic location: 2q11.2.
Variant type: Deletion.
Coding change: c.1510_1522del on transcript NM_001079.4 (MANE Select); coding-DNA positions 1510 to 1522, 13 bases deleted (AAGTGGTACGCAC).
Protein change: p.Lys504fs; shifts the reading frame from lysine 504.
Molecular consequence: frameshift variant.
Genome position (GRCh38, 1-based): chr2:97,737,784-97,737,796, AAGTGGTACGCAC deleted; deleting any 13 consecutive bases within chr2:97,737,783-97,737,796 gives the same sequence; the c. name uses the placement nearest the transcript's 3' end. VCF-style (leftmost placement, unchanged base first): chr2-97737782-TCAAGTGGTACGCA-T. GRCh37 (hg19) VCF-style: chr2-98354245-TCAAGTGGTACGCA-T.
Other names: c.1510_1522del, p.Lys504fs (NM_001378594.1); c.589_601del, p.Lys197fs (NM_207519.2); short protein forms K504fs, K197fs.
Identifiers: ClinVar variation 13256 (VCV000013256.3), dbSNP rs730880319, ClinGen allele CA256744.